The following is an entry in ClinVar:

ClinVar aggregate classification (germline): Uncertain significance (1 of 4 stars; one submission).

Conditions:
Oocyte maturation defect 12. Also called: OOCYTE/ZYGOTE/EMBRYO MATURATION ARREST 12. Identifiers: MedGen C5562063, MONDO:0030523, OMIM 619697.

gnomAD v4.1: 1 of 1,614,164 alleles (0.000062%); highest among the groups gnomAD compares: East Asian, 0.0022%; no homozygotes.

Submission:

Fujungenetics Technologies
Classification: Uncertain significance for Oocyte maturation defect 12. Last evaluated: 2026-04-14. Review status: criteria provided, single submitter. Criteria: ACMG Guidelines, 2015. Collection method: clinical testing. Allele origin: germline. Inheritance: Autosomal recessive inheritance. Affected: yes. Observed: 1 variant allele, 1 compound heterozygote.
Comment: According to the ACMG/AMP 2015 guidelines, this variant is classified as Variant of Uncertain Significance (VUS).PM2_Supporting: The variant is extremely rare in the general population. According to gnomAD v2.1.1, the overall allele frequency is <0.01% (1/248964), with no homozygous individuals detected. The highest allele frequency is observed in the East Asian population, at 0.000056 (1/17978), meeting the criteria for PM2_Supporting. PP3: Multiple in silico predictive tools support a deleterious effect on the gene/protein function. The REVEL score is 0.845 (≥0.644, PMID: 36413997), which is a strong predictor of pathogenicity, fulfilling the PP3 criterion.

Literature cited by the submitters: PubMed 36413997.

NM_001029860.4(FBXO43):c.1912A>C (p.Lys638Gln)

Gene: FBXO43 (F-box protein 43; minus strand). Cytogenetic location: 8q22.2.
Variant type: single nucleotide variant.
Coding change: c.1912A>C on transcript NM_001029860.4 (MANE Select); coding-DNA position 1912, A replaced by C.
Protein change: p.Lys638Gln; replaces lysine 638 with glutamine.
Molecular consequence: missense variant. On other transcripts: non-coding transcript variant (1).
Genome position (GRCh38, 1-based): chr8:100,134,017, T>G on the plus strand (A>C on the coding strand, the complement: FBXO43 is on the minus strand). VCF-style: chr8-100134017-T-G. GRCh37 (hg19) VCF-style: chr8-101146245-T-G.
Other names: p.(Lys638Gln); short protein forms K638Q.
Identifiers: ClinVar variation 4850497 (VCV004850497.1).